The following is an entry in ClinVar:

NM_000718.4(CACNA1B):c.1222GAG[1] (p.Glu409del)

Gene: CACNA1B (calcium voltage-gated channel subunit alpha1 B; plus strand). Cytogenetic location: 9q34.3.
Variant type: Microsatellite.
Coding change: c.1222GAG[1] on transcript NM_000718.4 (MANE Select); one copy of the 3-base unit GAG starting at c.1222; the reference has two copies in a row; one copy, 3 bases deleted.
Protein change: p.Glu409del; deletes glutamic acid 409.
Molecular consequence: inframe deletion.
Genome position (GRCh38, 1-based): chr9:137,956,809-137,956,811, GAG deleted; deleting any 3 consecutive bases within chr9:137,956,806-137,956,811 gives the same sequence; the position shown is the placement nearest the transcript's 3' end. VCF-style (leftmost placement, unchanged base first): chr9-137956805-AGAG-A. GRCh37 (hg19) VCF-style: chr9-140851257-AGAG-A.
Other names: c.1222GAG[1], p.Glu409del (NM_001243812.2); short protein forms E409del.
Identifiers: ClinVar variation 2573444 (VCV002573444.1), dbSNP rs757001420, ClinGen allele CA5376085.

ClinVar aggregate classification (germline): Uncertain significance (1 of 4 stars; one submission).

Submission:

Women's Health and Genetics/Laboratory Corporation of America, LabCorp
Classification: Uncertain significance. Last evaluated: 2023-06-19. Review status: criteria provided, single submitter. Criteria: LabCorp Variant Classification Summary - May 2015. Collection method: clinical testing. Allele origin: germline.
Comment: Variant summary: CACNA1B c.1225_1227delGAG (p.Glu409del) results in an in-frame deletion that is predicted to remove 1 amino acid from the encoded protein. The variant allele was found at a frequency of 1.6e-05 in 249342 control chromosomes (gnomAD). The available data on variant occurrences in the general population are insufficient to allow any conclusion about variant significance. To our knowledge, no occurrence of c.1225_1227delGAG in individuals affected with Neurodevelopmental Disorder With Seizures And Nonepileptic Hyperkinetic Movements and no experimental evidence demonstrating its impact on protein function have been reported. No submitters have cited clinical-significance assessments for this variant to ClinVar after 2014. Based on the evidence outlined above, the variant was classified as uncertain significance.